The following is an entry in ClinVar:

NM_001039141.3(TRIOBP):c.2250G>A (p.Gln750=)

Gene: TRIOBP (TRIO and F-actin binding protein; plus strand). Cytogenetic location: 22q13.1.
Variant type: single nucleotide variant.
Coding change: c.2250G>A on transcript NM_001039141.3 (MANE Select); coding-DNA position 2250, G replaced by A.
Protein change: p.Gln750=; no amino-acid change (glutamine 750 retained).
Molecular consequence: synonymous variant.
Genome position (GRCh38, 1-based): chr22:37,724,806, G>A. VCF-style: chr22-37724806-G-A. GRCh37 (hg19) VCF-style: chr22-38120813-G-A.
Identifiers: ClinVar variation 3024754 (VCV003024754.22), dbSNP rs1283664152, ClinGen allele CA514771391.

ClinVar aggregate classification (germline): Likely benign (1 of 4 stars; one submission).

Submission:

CeGaT Center for Human Genetics Tuebingen
Classification: Likely benign. Last evaluated: 2024-01-01. Review status: criteria provided, single submitter. Criteria: CeGaT Center For Human Genetics Tuebingen Variant Classification Criteria Version 2. Collection method: clinical testing. Allele origin: germline. Affected: yes. Observed: 1 variant allele.
Comment: TRIOBP: BP4, BP7